The following is an entry in ClinVar:

NM_001379029.1(CERT1):c.1564G>T (p.Asp522Tyr)

Gene: CERT1 (ceramide transporter 1; minus strand). Cytogenetic location: 5q13.3.
Variant type: single nucleotide variant.
Coding change: c.1564G>T on transcript NM_001379029.1 (MANE Select); coding-DNA position 1564, G replaced by T.
Protein change: p.Asp522Tyr; replaces aspartic acid 522 with tyrosine.
Molecular consequence: missense variant.
Genome position (GRCh38, 1-based): chr5:75,382,002, C>A on the plus strand (G>T on the coding strand, the complement: CERT1 is on the minus strand). VCF-style: chr5-75382002-C-A. GRCh37 (hg19) VCF-style: chr5-74677827-C-A.
Other names: c.1948G>T, p.Asp650Tyr (NM_001130105.1); c.1564G>T, p.Asp522Tyr (NM_001379002.1, NM_005713.3); c.1486G>T, p.Asp496Tyr (NM_001379003.1, NM_001379004.1, NM_031361.3); short protein forms D496Y, D522Y, D650Y.
Identifiers: ClinVar variation 2663386 (VCV002663386.1), dbSNP rs2478893146, ClinGen allele CA360140173.

ClinVar aggregate classification (germline): Uncertain significance (1 of 4 stars; one submission).

Submission:

GeneDx
Classification: Uncertain significance. Last evaluated: 2023-04-19. Review status: criteria provided, single submitter. Criteria: GeneDx Variant Classification Process June 2021. Collection method: clinical testing. Allele origin: germline. Affected: yes.
Comment: Not observed at significant frequency in large population cohorts (gnomAD); In silico analysis supports that this missense variant has a deleterious effect on protein structure/function; Has not been previously published as pathogenic or benign to our knowledge